The following is an entry in ClinVar:

NM_020631.6(PLEKHG5):c.1213G>C (p.Val405Leu)

Gene: PLEKHG5 (pleckstrin homology and RhoGEF domain containing G5; minus strand). Cytogenetic location: 1p36.31.
Variant type: single nucleotide variant.
Coding change: c.1213G>C on transcript NM_020631.6 (MANE Select); coding-DNA position 1213, G replaced by C.
Protein change: p.Val405Leu; replaces valine 405 with leucine.
Molecular consequence: missense variant.
Genome position (GRCh38, 1-based): chr1:6,471,556, C>G on the plus strand (G>C on the coding strand, the complement: PLEKHG5 is on the minus strand). VCF-style: chr1-6471556-C-G. GRCh37 (hg19) VCF-style: chr1-6531616-C-G.
Other names: c.1213G>C, p.Val405Leu (NM_198681.4, NM_001042664.2, NM_001042665.2 and 1 more transcripts); c.1324G>C, p.Val442Leu (NM_001042663.3, NM_001265592.2); c.1420G>C, p.Val474Leu (NM_001265593.2); short protein forms V405L, V442L, V474L.
Identifiers: ClinVar variation 4531093 (VCV004531093.1).
Genomic context (GRCh38, chr1:6,471,556, plus strand): 5'-AGCCTTTGAGGAAGTCCCCGGGCTGTAGCAGCGCTCGCGTGCGCCGCGCCTTCTCCAGCA[C>G]CGGCGCCATCACGCTAGCCCACAGCCTGCGGTGCAGCTGCGCGATCTCCGGGATGTTGCT-3'
Protein context (NP_065682.2, residues 395-415): RRLWASVMAP[Val405Leu]LEKARRTRAL

ClinVar aggregate classification (germline): Uncertain significance (1 of 4 stars; one submission).

Submission:

GeneDx
Classification: Uncertain significance. Last evaluated: 2025-05-20. Review status: criteria provided, single submitter. Criteria: GeneDx Variant Classification Process June 2021. Collection method: clinical testing. Allele origin: germline. Affected: yes.
Comment: Not observed at significant frequency in large population cohorts (gnomAD); In silico analysis suggests that this missense variant does not alter protein structure/function; Has not been previously published as pathogenic or benign to our knowledge